The following is an entry in ClinVar:

NM_001083926.2(ASRGL1):c.295G>A (p.Ala99Thr)

Gene: ASRGL1 (asparaginase and isoaspartyl peptidase 1; plus strand). Cytogenetic location: 11q12.3.
Variant type: single nucleotide variant.
Coding change: c.295G>A on transcript NM_001083926.2 (MANE Select); coding-DNA position 295, G replaced by A.
Protein change: p.Ala99Thr; replaces alanine 99 with threonine.
Molecular consequence: missense variant.
Genome position (GRCh38, 1-based): chr11:62,356,429, G>A. VCF-style: chr11-62356429-G-A. GRCh37 (hg19) VCF-style: chr11-62123901-G-A.
Other names: c.295G>A, p.Ala99Thr (NM_025080.4); short protein forms A99T.
Identifiers: ClinVar variation 1000284 (VCV001000284.8), dbSNP rs1946298288, ClinGen allele CA380865463.

ClinVar aggregate classification (germline): Uncertain significance (1 of 4 stars; one submission).

Submission:

Labcorp Genetics (formerly Invitae), Labcorp
Classification: Uncertain significance. Last evaluated: 2022-10-13. Review status: criteria provided, single submitter. Criteria: Invitae Variant Classification Sherloc (09022015). Collection method: clinical testing. Allele origin: germline.
Comment: This sequence change replaces alanine, which is neutral and non-polar, with threonine, which is neutral and polar, at codon 99 of the ASRGL1 protein (p.Ala99Thr). In summary, the available evidence is currently insufficient to determine the role of this variant in disease. Therefore, it has been classified as a Variant of Uncertain Significance. Algorithms developed to predict the effect of missense changes on protein structure and function are either unavailable or do not agree on the potential impact of this missense change (SIFT: "Tolerated"; PolyPhen-2: "Possibly Damaging"; Align-GVGD: "Class C0"). ClinVar contains an entry for this variant (Variation ID: 1000284). This variant has not been reported in the literature in individuals affected with ASRGL1-related conditions. This variant is not present in population databases (gnomAD no frequency).